The following is an entry in ClinVar:

NM_000271.5(NPC1):c.2510T>C (p.Ile837Thr)

Gene: NPC1 (NPC intracellular cholesterol transporter 1; minus strand). Cytogenetic location: 18q11.2.
Variant type: single nucleotide variant.
Coding change: c.2510T>C on transcript NM_000271.5 (MANE Select); coding-DNA position 2510, T replaced by C.
Protein change: p.Ile837Thr; replaces isoleucine 837 with threonine.
Molecular consequence: missense variant.
Genome position (GRCh38, 1-based): chr18:23,541,072, A>G on the plus strand (T>C on the coding strand, the complement: NPC1 is on the minus strand). VCF-style: chr18-23541072-A-G. GRCh37 (hg19) VCF-style: chr18-21121036-A-G.
Other names: short protein forms I837T.
Identifiers: ClinVar variation 498832 (VCV000498832.7), dbSNP rs758474760, ClinGen allele CA8913082.
Genomic context (GRCh38, chr18:23,541,072, plus strand): 5'-CATGTGATAATCTGTTTCAGTGAGAGGAAAGAGAAAAACCACAGATAAGCGCATACCACA[A>G]TTGGTCTCATCCAGTCCTTTAGCAGAAGTGGAGAATAGGAGTTTTTGAAGAAGCGAAACA-3'
Protein context (NP_000262.2, residues 827-847): PLLLKDWMRP[Ile837Thr]VIAIFVGVLS

ClinVar aggregate classification (germline): Uncertain significance. Review status: criteria provided, multiple submitters, no conflicts (2 of 4 stars). 2 submissions from 2 submitters: Uncertain significance (2). Last evaluated 2022-09-07.

Conditions:
Niemann-Pick disease, type C1. Also called: NEUROVISCERAL STORAGE DISEASE WITH VERTICAL SUPRANUCLEAR OPHTHALMOPLEGIA; NIEMANN-PICK DISEASE WITH CHOLESTEROL ESTERIFICATION BLOCK; NIEMANN-PICK DISEASE WITHOUT SPHINGOMYELINASE DEFICIENCY; NIEMANN-PICK DISEASE, CHRONIC NEURONOPATHIC FORM; NIEMANN-PICK DISEASE, VARIANT TYPE C1. Identifiers: Orphanet 646, MedGen C3179455, MONDO:0009757, OMIM 257220.

Allele frequency attached by ClinVar (database versions not stated): gnomAD 0.00001; ExAC 0.00004; gnomAD exomes 0.00004 and 0.00007; TOPMed 0.00004.
gnomAD v4.1: 112 of 1,614,086 alleles (0.0069%); highest among the groups gnomAD compares: Non-Finnish European, 0.0089%; no homozygotes.

Submissions (2):

Labcorp Genetics (formerly Invitae), Labcorp
Classification: Uncertain significance for Niemann-Pick disease, type C1. Last evaluated: 2022-09-07. Review status: criteria provided, single submitter. Criteria: Invitae Variant Classification Sherloc (09022015). Collection method: clinical testing. Allele origin: germline.
Comment: This sequence change replaces isoleucine, which is neutral and non-polar, with threonine, which is neutral and polar, at codon 837 of the NPC1 protein (p.Ile837Thr). This variant is present in population databases (rs758474760, gnomAD 0.007%). This variant has not been reported in the literature in individuals affected with NPC1-related conditions. ClinVar contains an entry for this variant (Variation ID: 498832). Algorithms developed to predict the effect of missense changes on protein structure and function are either unavailable or do not agree on the potential impact of this missense change (SIFT: "Deleterious"; PolyPhen-2: "Benign"; Align-GVGD: "Class C0"). In summary, the available evidence is currently insufficient to determine the role of this variant in disease. Therefore, it has been classified as a Variant of Uncertain Significance.

Eurofins Ntd Llc (ga)
Classification: Uncertain significance. Last evaluated: 2016-11-28. Review status: criteria provided, single submitter. Criteria: EGL Classification Definitions 2015. Collection method: clinical testing. Allele origin: germline. Observed: 1 variant allele, 1 heterozygote.